The following is an entry in ClinVar:

NM_024528.4(NKAP):c.143C>T (p.Ser48Phe)

Gene: NKAP (NFKB activating protein; minus strand). Cytogenetic location: Xq24.
Variant type: single nucleotide variant.
Coding change: c.143C>T on transcript NM_024528.4 (MANE Select); coding-DNA position 143, C replaced by T.
Protein change: p.Ser48Phe; replaces serine 48 with phenylalanine.
Molecular consequence: missense variant.
Genome position (GRCh38, 1-based): chrX:119,943,463, G>A on the plus strand (C>T on the coding strand, the complement: NKAP is on the minus strand). VCF-style: chrX-119943463-G-A. GRCh37 (hg19) VCF-style: chrX-119077426-G-A.
Other names: short protein forms S48F.
Identifiers: ClinVar variation 2573614 (VCV002573614.2), dbSNP rs751840434, ClinGen allele CA10503931.

ClinVar aggregate classification (germline): Conflicting classifications of pathogenicity. Review status: criteria provided, conflicting classifications (1 of 4 stars). 2 submissions from 2 submitters: Uncertain significance (1); Likely benign (1). Last evaluated 2024-11-20.

Conditions:
Inborn genetic diseases. Identifiers: MedGen C0950123, MeSH D030342.

Allele frequency attached by ClinVar (database versions not stated): ExAC 0.00004; gnomAD 0.00006; TOPMed 0.00014; 1000 Genomes Project 30x 0.00021; 1000 Genomes Project 0.00026.
gnomAD v4.1: 12 of 1,210,655 alleles (0.00099%); highest among the groups gnomAD compares: African/African-American, 0.016%; no homozygotes.

Submissions (2):

Ambry Genetics
Classification: Likely benign for Inborn genetic diseases. Last evaluated: 2024-11-20. Review status: criteria provided, single submitter. Criteria: Ambry Variant Classification Scheme 2023. Collection method: clinical testing. Allele origin: germline.

Women's Health and Genetics/Laboratory Corporation of America, LabCorp
Classification: Uncertain significance. Last evaluated: 2023-06-19. Review status: criteria provided, single submitter. Criteria: LabCorp Variant Classification Summary - May 2015. Collection method: clinical testing. Allele origin: germline.
Comment: Variant summary: NKAP c.143C>T (p.Ser48Phe) results in a non-conservative amino acid change in the encoded protein sequence. Three of five in-silico tools predict a benign effect of the variant on protein function. The variant allele was found at a frequency of 2.8e-05 in 177971 control chromosomes (gnomAD). The available data on variant occurrences in the general population are insufficient to allow any conclusion about variant significance. To our knowledge, no occurrence of c.143C>T in individuals affected with Intellectual Developmental Disorder, X-Linked, Syndromic, Hackmann-Di Donato Type and no experimental evidence demonstrating its impact on protein function have been reported. No clinical diagnostic laboratories have submitted clinical-significance assessments for this variant to ClinVar after 2014. Based on the evidence outlined above, the variant was classified as uncertain significance.